The following is an entry in ClinVar:

NM_005476.7(GNE):c.1583T>G (p.Phe528Cys)

Gene: GNE (glucosamine (UDP-N-acetyl)-2-epimerase/N-acetylmannosamine kinase; minus strand). Cytogenetic location: 9p13.3.
Variant type: single nucleotide variant.
Coding change: c.1583T>G on transcript NM_005476.7 (MANE Select); coding-DNA position 1583, T replaced by G.
Protein change: p.Phe528Cys; replaces phenylalanine 528 with cysteine.
Molecular consequence: missense variant. On other transcripts: intron variant (1).
Genome position (GRCh38, 1-based): chr9:36,222,827, A>C on the plus strand (T>G on the coding strand, the complement: GNE is on the minus strand). VCF-style: chr9-36222827-A-C. GRCh37 (hg19) VCF-style: chr9-36222824-A-C.
Other names: c.1676T>G, p.Phe559Cys (NM_001128227.3); c.1253T>G, p.Phe418Cys (NM_001190384.3); c.1406T>G, p.Phe469Cys (NM_001190388.2, NM_001374798.1); c.1430T>G, p.Phe477Cys (NM_001374797.1); c.1411+546T>G (NM_001190383.3); short protein forms F528C, F559C, F418C, F469C, F477C.
Identifiers: ClinVar variation 497075 (VCV000497075.17), dbSNP rs986773986, ClinGen allele CA192843496.

ClinVar aggregate classification (germline): Conflicting classifications of pathogenicity. Review status: criteria provided, conflicting classifications (1 of 4 stars). 5 submissions from 5 submitters: Likely pathogenic (2); Uncertain significance (2). 1 of the submissions does not count toward it. Last evaluated 2025-10-20.

Conditions:
GNE myopathy (NM). Also called: IBM 2; Inclusion body myopathy autosomal recessive; Inclusion body myopathy quadriceps sparing; NONAKA DISTAL MYOPATHY; MYOPATHY, DISTAL, WITH OR WITHOUT RIMMED VACUOLES; INCLUSION BODY MYOPATHY, HEREDITARY, AUTOSOMAL RECESSIVE. Identifiers: Orphanet 602, MedGen C1853926, MONDO:0011603, OMIM 605820.
Sialuria. Also called: SIALURIA, FRENCH TYPE; Sialic Acid Storage Disease. Identifiers: Orphanet 3166, MedGen C0342853, MONDO:0010028, OMIM 269921.

Allele frequency attached by ClinVar (database versions not stated): gnomAD exomes below 0.00001.

Submissions (5):

Myriad Genetics, Inc.
Classification: Uncertain significance for GNE myopathy. Last evaluated: 2025-10-20. Review status: criteria provided, single submitter. Criteria: Myriad Autosomal Dominant, Autosomal Recessive and X-Linked Classification Criteria (2023). Collection method: clinical testing. Allele origin: unknown.
Comment: NM_001128227.2(GNE):c.1676T>G(F559C) is a missense variant classified as a variant of uncertain significance in the context of GNE myopathy. F559C has been observed in cases with relevant disease (PMID: 12497639, 39775307). Relevant functional assessments of this variant are available in the literature (PMID: 16503651). F559C has been observed in referenced population frequency databases. In summary, there is insufficient evidence to classify NM_001128227.2(GNE):c.1676T>G(F559C) as pathogenic or benign. Please note: this variant was assessed in the context of healthy population screening.

Baylor Genetics
Classification: Likely pathogenic for GNE myopathy. Last evaluated: 2024-03-26. Review status: criteria provided, single submitter. Criteria: ACMG Guidelines, 2015. Collection method: clinical testing. Allele origin: unknown.

Labcorp Genetics (formerly Invitae), Labcorp
Classification: Likely pathogenic for Sialuria; GNE myopathy. Last evaluated: 2024-01-05. Review status: criteria provided, single submitter. Criteria: Invitae Variant Classification Sherloc (09022015). Collection method: clinical testing. Allele origin: germline.
Comment: This sequence change replaces phenylalanine, which is neutral and non-polar, with cysteine, which is neutral and slightly polar, at codon 559 of the GNE protein (p.Phe559Cys). This variant is present in population databases (no rsID available, gnomAD 0.0009%). This missense change has been observed in individual(s) with autosomal recessive GNE-related conditions (PMID: 12497639). It has also been observed to segregate with disease in related individuals. This variant is also known as c.1583T>G, p.Phe528Cys. ClinVar contains an entry for this variant (Variation ID: 497075). Advanced modeling of protein sequence and biophysical properties (such as structural, functional, and spatial information, amino acid conservation, physicochemical variation, residue mobility, and thermodynamic stability) has been performed at Invitae for this missense variant, however the output from this modeling did not meet the statistical confidence thresholds required to predict the impact of this variant on GNE protein function. Experimental studies have shown that this missense change affects GNE function (PMID: 16503651). In summary, the currently available evidence indicates that the variant is pathogenic, but additional data are needed to prove that conclusively. Therefore, this variant has been classified as Likely Pathogenic.

Eurofins Ntd Llc (ga)
Classification: Uncertain significance. Last evaluated: 2016-11-28. Review status: criteria provided, single submitter. Criteria: EGL Classification Definitions 2015. Collection method: clinical testing. Allele origin: germline. Observed: 1 variant allele, 1 heterozygote.

Counsyl
Classification: Uncertain significance for GNE myopathy. Last evaluated: 2017-12-27. Review status: no assertion criteria provided. Collection method: clinical testing. Allele origin: unknown. Not counted in ClinVar's aggregate classification.

Literature cited by the submitters: PubMed 12497639 (cited by 3 submitters); PubMed 16503651 (cited by 3 submitters); PubMed 39775307 (cited by Myriad Genetics, Inc.).